The following is an entry in ClinVar:

NM_001256864.2(DNAJC6):c.2468G>A (p.Arg823His)

Gene: DNAJC6 (DnaJ heat shock protein family (Hsp40) member C6; plus strand). Cytogenetic location: 1p31.3.
Variant type: single nucleotide variant.
Coding change: c.2468G>A on transcript NM_001256864.2 (MANE Select); coding-DNA position 2468, G replaced by A.
Protein change: p.Arg823His; replaces arginine 823 with histidine.
Molecular consequence: missense variant.
Genome position (GRCh38, 1-based): chr1:65,406,110, G>A. VCF-style: chr1-65406110-G-A. GRCh37 (hg19) VCF-style: chr1-65871793-G-A.
Other names: c.2258G>A, p.Arg753His (NM_001256865.2); c.2297G>A, p.Arg766His (NM_014787.4); c.2297G>A (NM_014787.2); short protein forms R823H, R753H, R766H.
Identifiers: ClinVar variation 861071 (VCV000861071.11), dbSNP rs201984806, ClinGen allele CA894166.

ClinVar aggregate classification (germline): Uncertain significance. Review status: criteria provided, multiple submitters, no conflicts (2 of 4 stars). 3 submissions from 3 submitters: Uncertain significance (3). Last evaluated 2023-04-11.

Conditions:
Inborn genetic diseases. Identifiers: MedGen C0950123, MeSH D030342.
Juvenile onset Parkinson disease 19A. Also called: PARK19; DNAJC6 Parkinson Disease. Identifiers: Orphanet 391411, MedGen C3809811, MONDO:0014231, OMIM 615528.

Allele frequency attached by ClinVar (database versions not stated): gnomAD 0.00001; TOPMed 0.00002; gnomAD exomes 0.00003; ExAC 0.00007; ESP Exome Variant Server 0.00008.
gnomAD v4.1: 33 of 1,613,974 alleles (0.002%); highest among the groups gnomAD compares: Non-Finnish European, 0.0024%; no homozygotes.

Submissions (3):

Genome-Nilou Lab
Classification: Uncertain significance for Juvenile onset Parkinson disease 19A. Last evaluated: 2023-04-11. Review status: criteria provided, single submitter. Criteria: ACMG Guidelines, 2015. Collection method: clinical testing. Allele origin: germline. Affected: no.

Labcorp Genetics (formerly Invitae), Labcorp
Classification: Uncertain significance for Juvenile onset Parkinson disease 19A. Last evaluated: 2022-09-06. Review status: criteria provided, single submitter. Criteria: Invitae Variant Classification Sherloc (09022015). Collection method: clinical testing. Allele origin: germline.
Comment: In summary, the available evidence is currently insufficient to determine the role of this variant in disease. Therefore, it has been classified as a Variant of Uncertain Significance. This sequence change replaces arginine, which is basic and polar, with histidine, which is basic and polar, at codon 823 of the DNAJC6 protein (p.Arg823His). This variant is present in population databases (rs201984806, gnomAD 0.007%). This missense change has been observed in individual(s) with neurodevelopmental disorder (PMID: 28191889). This variant is also known as c.2297G>A. ClinVar contains an entry for this variant (Variation ID: 861071). Algorithms developed to predict the effect of missense changes on protein structure and function are either unavailable or do not agree on the potential impact of this missense change (SIFT: "Tolerated"; PolyPhen-2: "Probably Damaging"; Align-GVGD: "Class C0").

Ambry Genetics
Classification: Uncertain significance for Inborn genetic diseases. Last evaluated: 2022-02-10. Review status: criteria provided, single submitter. Criteria: Ambry Variant Classification Scheme 2023. Collection method: clinical testing. Allele origin: germline.

Literature cited by the submitters: PubMed 28191889 (cited by Labcorp Genetics (formerly Invitae), Labcorp).